The following is an entry in ClinVar:

ClinVar aggregate classification (germline): Uncertain significance (1 of 4 stars; one submission).

Submission:

Labcorp Genetics (formerly Invitae), Labcorp
Classification: Uncertain significance. Last evaluated: 2025-03-17. Review status: criteria provided, single submitter. Criteria: Invitae Variant Classification Sherloc (09022015). Collection method: clinical testing. Allele origin: germline.
Comment: This sequence change replaces aspartic acid, which is acidic and polar, with histidine, which is basic and polar, at codon 45 of the POLE protein (p.Asp45His). This variant is not present in population databases (gnomAD no frequency). This variant has not been reported in the literature in individuals affected with POLE-related conditions. ClinVar contains an entry for this variant (Variation ID: 1023910). Invitae Evidence Modeling of protein sequence and biophysical properties (such as structural, functional, and spatial information, amino acid conservation, physicochemical variation, residue mobility, and thermodynamic stability) indicates that this missense variant is expected to disrupt POLE protein function with a positive predictive value of 80%. In summary, the available evidence is currently insufficient to determine the role of this variant in disease. Therefore, it has been classified as a Variant of Uncertain Significance.

NM_006231.4(POLE):c.133G>C (p.Asp45His)

Gene: POLE (DNA polymerase epsilon, catalytic subunit; minus strand). Cytogenetic location: 12q24.33.
Variant type: single nucleotide variant.
Coding change: c.133G>C on transcript NM_006231.4 (MANE Select); coding-DNA position 133, G replaced by C.
Protein change: p.Asp45His; replaces aspartic acid 45 with histidine.
Molecular consequence: missense variant.
Genome position (GRCh38, 1-based): chr12:132,681,209, C>G on the plus strand (G>C on the coding strand, the complement: POLE is on the minus strand). VCF-style: chr12-132681209-C-G. GRCh37 (hg19) VCF-style: chr12-133257795-C-G.
Other names: short protein forms D45H.
Identifiers: ClinVar variation 1023910 (VCV001023910.9), dbSNP rs2043160358, ClinGen allele CA387370125.